The following is an entry in ClinVar:

ClinVar aggregate classification (germline): Uncertain significance (1 of 4 stars; one submission).

Conditions:
Hyperinsulinemic hypoglycemia, familial, 1 (HHF1). Also called: Persistent hyperinsulinemic hypoglycemia of infancy; HYPERINSULINISM, FAMILIAL, WITH PANCREATIC NESIDIOBLASTOSIS; HYPOGLYCEMIA, HYPERINSULINEMIC, OF INFANCY; NESIDIOBLASTOSIS OF PANCREAS; Persistent Hyperinsulinemia Hypoglycemia of Infancy. Identifiers: Orphanet 276575, Orphanet 276598, MedGen C2931832, MONDO:0009734, OMIM 256450.

Submission:

Myriad Genetics, Inc.
Classification: Uncertain significance for Hyperinsulinemic hypoglycemia, familial, 1. Last evaluated: 2026-01-22. Review status: criteria provided, single submitter. Criteria: Myriad Autosomal Dominant, Autosomal Recessive and X-Linked Classification Criteria (2023). Collection method: clinical testing. Allele origin: unknown.
Comment: NM_000352.3(ABCC8):c.4729delG(V1577Sfs*33) is a readthrough frameshift variant classified as a variant of uncertain significance in the context of familial hyperinsulinism, ABCC8-related. V1577Sfs*33 has not been observed in cases with relevant disease. Relevant functional assessments of this variant are not available in the literature. V1577Sfs*33 has not been observed in referenced population frequency databases. In summary, there is insufficient evidence to classify NM_000352.3(ABCC8):c.4729delG(V1577Sfs*33) as pathogenic or benign. Please note: this variant was assessed in the context of healthy population screening.

NM_000352.6(ABCC8):c.4729del (p.Val1577fs)

Gene: ABCC8 (ATP binding cassette subfamily C member 8; minus strand). Cytogenetic location: 11p15.1.
Variant type: Deletion.
Coding change: c.4729del on transcript NM_000352.6 (MANE Select); coding-DNA position 4729, one base deleted (G; older notation c.4729delG).
Protein change: p.Val1577fs; shifts the reading frame from valine 1577.
Molecular consequence: frameshift variant. On other transcripts: non-coding transcript variant (1).
Genome position (GRCh38, 1-based): chr11:17,393,008, C deleted on the plus strand (G on the coding strand, the reverse complement: ABCC8 is on the minus strand). VCF-style (leftmost placement, unchanged base first): chr11-17393007-AC-A. GRCh37 (hg19) VCF-style: chr11-17414554-AC-A.
Other names: c.4732del, p.Val1578fs (NM_001287174.3); c.4795del, p.Val1599fs (NM_001351295.2); c.4729del, p.Val1577fs (NM_001351296.2); c.4726del, p.Val1576fs (NM_001351297.2); short protein forms V1577fs, V1599fs, V1576fs, V1578fs.
Identifiers: ClinVar variation 5004411 (VCV005004411.1).